The following is an entry in ClinVar:

NM_000116.5(TAFAZZIN):c.843_850del (p.Glu282fs)

Gene: TAFAZZIN (tafazzin, phospholipid-lysophospholipid transacylase; plus strand). Cytogenetic location: Xq28.
Variant type: Deletion.
Coding change: c.843_850del on transcript NM_000116.5 (MANE Select); coding-DNA positions 843 to 850, 8 bases deleted (AGAGCAGC; older notation c.843_850delAGAGCAGC).
Protein change: p.Glu282fs; shifts the reading frame from glutamic acid 282.
Molecular consequence: frameshift variant. On other transcripts: non-coding transcript variant (1).
Genome position (GRCh38, 1-based): chrX:154,420,968-154,420,975, AGAGCAGC deleted; deleting any 8 consecutive bases within chrX:154,420,966-154,420,975 gives the same sequence; the c. name uses the placement nearest the transcript's 3' end. VCF-style (leftmost placement, unchanged base first): chrX-154420965-GGCAGAGCA-G. GRCh37 (hg19) VCF-style: chrX-153649304-GGCAGAGCA-G.
Other names: c.855_862del, p.Glu286fs (NM_001303465.2); c.807_814delAGAGCAGC, p.Glu270Profs (NM_001410698.1); c.753_760del, p.Glu252fs (NM_181311.4); c.801_808del, p.Glu268fs (NM_181312.4); c.711_718del, p.Glu238fs (NM_181313.4); short protein forms E252fs, E282fs, E238fs, E268fs, E286fs.
Identifiers: ClinVar variation 1957987 (VCV001957987.5), dbSNP rs2522999343, ClinGen allele CA2580101855.

ClinVar aggregate classification (germline): Uncertain significance (1 of 4 stars; one submission).

Conditions:
3-Methylglutaconic aciduria type 2 (BTHS). Also called: CARDIOSKELETAL MYOPATHY WITH NEUTROPENIA AND ABNORMAL MITOCHONDRIA; Barth syndrome. Identifiers: Orphanet 111, MedGen C0574083, MONDO:0010543, OMIM 302060.

Submission:

Labcorp Genetics (formerly Invitae), Labcorp
Classification: Uncertain significance for 3-Methylglutaconic aciduria type 2. Last evaluated: 2021-08-23. Review status: criteria provided, single submitter. Criteria: Invitae Variant Classification Sherloc (09022015). Collection method: clinical testing. Allele origin: germline.
Comment: In summary, the available evidence is currently insufficient to determine the role of this variant in disease. Therefore, it has been classified as a Variant of Uncertain Significance. This variant results in an extension of the TAZ protein. Other variant(s) that result in a similarly extended protein product (p.Arg292Aspfs*47) have been observed in individuals with TAZ-related disease (PMID: 19037987). This suggests that these extensions may be clinically significant. This sequence change results in a frameshift in the TAZ gene (p.Glu282Profs*26). While this is not anticipated to result in nonsense mediated decay, it is expected to disrupt the last 11 amino acid(s) of the TAZ protein and extend the protein by 14 additional amino acid residues. This variant is not present in population databases (ExAC no frequency). This variant has not been reported in the literature in individuals affected with TAZ-related conditions.

Literature cited by the submitters: PubMed 19037987.